The following is an entry in ClinVar:

ClinVar aggregate classification (germline): Uncertain significance (0 of 4 stars; one submission).

Conditions:
NRXN3-related disorder. Also called: NRXN3-related condition.

Allele frequency attached by ClinVar (database versions not stated): gnomAD exomes 0.00004; ExAC 0.00009; gnomAD 0.00015; TOPMed 0.00017.
gnomAD v4.1: 89 of 1,561,294 alleles (0.0057%); highest among the groups gnomAD compares: Middle Eastern, 0.083%; 2 homozygotes.

Submission:

PreventionGenetics, part of Exact Sciences
Classification: Uncertain significance for NRXN3-related condition. Last evaluated: 2024-02-21. Review status: no assertion criteria provided. Collection method: clinical testing. Allele origin: germline.
Comment: The NRXN3 c.182C>T variant is predicted to result in the amino acid substitution p.Thr61Met. To our knowledge, this variant has not been reported in the literature. This variant is reported in 0.039% of alleles in individuals of African descent in gnomAD. At this time, the clinical significance of this variant is uncertain due to the absence of conclusive functional and genetic evidence.

NM_001330195.2(NRXN3):c.182C>T (p.Thr61Met)

Gene: NRXN3 (neurexin 3; plus strand). Cytogenetic location: 14q24.3.
Variant type: single nucleotide variant.
Coding change: c.182C>T on transcript NM_001330195.2 (MANE Select); coding-DNA position 182, C replaced by T.
Protein change: p.Thr61Met; replaces threonine 61 with methionine.
Molecular consequence: missense variant. On other transcripts: non-coding transcript variant (4).
Genome position (GRCh38, 1-based): chr14:78,243,275, C>T. VCF-style: chr14-78243275-C-T. GRCh37 (hg19) VCF-style: chr14-78709618-C-T.
Other names: c.182C>T, p.Thr61Met (NM_001366425.1, NM_001366426.1); short protein forms T61M.
Identifiers: ClinVar variation 3031744 (VCV003031744.2), dbSNP rs772146074, ClinGen allele CA7291293.